The following is an entry in ClinVar:

ClinVar aggregate classification (germline): Benign/Likely benign. Review status: criteria provided, multiple submitters, no conflicts (2 of 4 stars). 3 submissions from 3 submitters: Benign (1); Likely benign (2). Last evaluated 2026-09-01.

Allele frequency attached by ClinVar (database versions not stated): gnomAD 0.00299 and 0.00319; 1000 Genomes Project 0.00300; 1000 Genomes Project 30x 0.00312; ESP Exome Variant Server 0.00346; TOPMed 0.00346.
gnomAD v4.1: 886 of 1,614,072 alleles (0.055%); highest among the groups gnomAD compares: African/African-American, 1.1%; 6 homozygotes.

Submissions (3):

CeGaT Center for Human Genetics Tuebingen
Classification: Likely benign. Last evaluated: 2026-09-01. Review status: criteria provided, single submitter. Criteria: CeGaT Center For Human Genetics Tuebingen Variant Classification Criteria Version 2. Collection method: clinical testing. Allele origin: germline. Affected: yes. Observed: 2 variant alleles.
Comment: TRIT1: BP4, BS1

Labcorp Genetics (formerly Invitae), Labcorp
Classification: Benign. Last evaluated: 2026-01-15. Review status: criteria provided, single submitter. Criteria: Invitae Variant Classification Sherloc (09022015). Collection method: clinical testing. Allele origin: germline.

Mayo Clinic Laboratories, Mayo Clinic
Classification: Likely benign. Last evaluated: 2023-12-29. Review status: criteria provided, single submitter. Criteria: ACMG Guidelines, 2015. Collection method: clinical testing. Allele origin: germline. Observed: 4 variant alleles.
Comment: BS1, BP4

NM_017646.6(TRIT1):c.614G>T (p.Arg205Leu)

Gene: TRIT1 (tRNA isopentenyltransferase 1; minus strand). Cytogenetic location: 1p34.2.
Variant type: single nucleotide variant.
Coding change: c.614G>T on transcript NM_017646.6 (MANE Select); coding-DNA position 614, G replaced by T.
Protein change: p.Arg205Leu; replaces arginine 205 with leucine.
Molecular consequence: missense variant.
Genome position (GRCh38, 1-based): chr1:39,850,208, C>A on the plus strand (G>T on the coding strand, the complement: TRIT1 is on the minus strand). VCF-style: chr1-39850208-C-A. GRCh37 (hg19) VCF-style: chr1-40315880-C-A.
Other names: p.Arg205Leu; c.614G>T, p.Arg205Leu (NM_001312691.2); c.374G>T, p.Arg125Leu (NM_001312692.2); short protein forms R125L, R205L.
Identifiers: ClinVar variation 1607094 (VCV001607094.33), dbSNP rs57069259, ClinGen allele CA788050.
Genomic context (GRCh38, chr1:39,850,208, plus strand): 5'-CAAGGGTTAGAGAACTTCAGAGGACCTCCAAGGGGACCACCACCTTCTTCCGTATGTTGA[C>A]GATGGAGAAATTCACTATGAGAGATTCCTGTTTCTTCAAAAACTTGCAAGCTCCTAAGTA-3'
Protein context (NP_060116.2, residues 195-215): TGISHSEFLH[Arg205Leu]QHTEEGGGPL